The following is an entry in ClinVar:

ClinVar aggregate classification (germline): Likely benign. Review status: criteria provided, single submitter (1 of 4 stars). 2 submissions from 2 submitters: Likely benign (1). 1 of the submissions does not count toward it. Last evaluated 2025-07-01.

Conditions:
POLQ-related disorder. Also called: POLQ-related condition.

Allele frequency attached by ClinVar (database versions not stated): 1000 Genomes Project 0.00060; 1000 Genomes Project 30x 0.00062; ExAC 0.00099; gnomAD 0.00110; TOPMed 0.00114; ESP Exome Variant Server 0.00154; gnomAD exomes 0.00157.
gnomAD v4.1: 2,358 of 1,565,068 alleles (0.15%); highest among the groups gnomAD compares: Non-Finnish European, 0.18%; 3 homozygotes.

Submissions (2):

CeGaT Center for Human Genetics Tuebingen
Classification: Likely benign. Last evaluated: 2025-07-01. Review status: criteria provided, single submitter. Criteria: CeGaT Center For Human Genetics Tuebingen Variant Classification Criteria Version 2. Collection method: clinical testing. Allele origin: germline. Affected: yes. Observed: 1 variant allele.
Comment: POLQ: BP4

PreventionGenetics, part of Exact Sciences
Classification: Likely benign for POLQ-related condition. Last evaluated: 2020-09-08. Review status: no assertion criteria provided. Collection method: clinical testing. Allele origin: germline. Not counted in ClinVar's aggregate classification.
Comment: This variant is classified as likely benign based on ACMG/AMP sequence variant interpretation guidelines (Richards et al. 2015 PMID: 25741868, with internal and published modifications).

NM_199420.4(POLQ):c.749A>C (p.Asp250Ala)

Gene: POLQ (DNA polymerase theta; minus strand). Cytogenetic location: 3q13.33.
Variant type: single nucleotide variant.
Coding change: c.749A>C on transcript NM_199420.4 (MANE Select); coding-DNA position 749, A replaced by C.
Protein change: p.Asp250Ala; replaces aspartic acid 250 with alanine.
Molecular consequence: missense variant.
Genome position (GRCh38, 1-based): chr3:121,533,201, T>G on the plus strand (A>C on the coding strand, the complement: POLQ is on the minus strand). VCF-style: chr3-121533201-T-G. GRCh37 (hg19) VCF-style: chr3-121252048-T-G.
Other names: short protein forms D250A.
Identifiers: ClinVar variation 3044919 (VCV003044919.10), dbSNP rs73179915, ClinGen allele CA2563727.